The following is an entry in ClinVar:

NM_002386.4(MC1R):c.914T>A (p.Leu305His)

Gene: MC1R (melanocortin 1 receptor; plus strand). Cytogenetic location: 16q24.3.
Variant type: single nucleotide variant.
Coding change: c.914T>A on transcript NM_002386.4 (MANE Select); coding-DNA position 914, T replaced by A.
Protein change: p.Leu305His; replaces leucine 305 with histidine.
Molecular consequence: missense variant.
Genome position (GRCh38, 1-based): chr16:89,920,172, T>A. VCF-style: chr16-89920172-T-A. GRCh37 (hg19) VCF-style: chr16-89986580-T-A.
Other names: short protein forms L305H.
Identifiers: ClinVar variation 4550304 (VCV004550304.1).

ClinVar aggregate classification (germline): Uncertain significance (1 of 4 stars; one submission).

Submission:

Ambry Genetics
Classification: Uncertain significance. Last evaluated: 2025-10-22. Review status: criteria provided, single submitter. Criteria: Ambry Variant Classification Scheme 2023. Collection method: clinical testing. Allele origin: germline.
Comment: The p.L305H variant (also known as c.914T>A), located in coding exon 1 of the MC1R gene, results from a T to A substitution at nucleotide position 914. The leucine at codon 305 is replaced by histidine, an amino acid with similar properties. This amino acid position is conserved. In addition, the in silico prediction for this alteration is inconclusive. Based on the available evidence, the clinical significance of this variant remains unclear.